The following is an entry in ClinVar:

ClinVar aggregate classification (germline): Conflicting classifications of pathogenicity. Review status: criteria provided, conflicting classifications (1 of 4 stars). 6 submissions from 6 submitters: Uncertain significance (4); Likely benign (2). Last evaluated 2025-12-09.

Conditions:
Hereditary cancer-predisposing syndrome. Also called: Neoplastic Syndromes, Hereditary; Hereditary neoplastic syndrome; Hereditary Cancer Syndrome; Tumor predisposition. Identifiers: Orphanet 140162, MedGen C0027672, MeSH D009386, MONDO:0015356.
Gorlin syndrome. Also called: Nevoid Basal Cell Carcinoma Syndrome; Basal cell nevus syndrome. Identifiers: Orphanet 377, MedGen C0004779, MONDO:0007187.
Basal cell carcinoma, susceptibility to, 1. Also called: BCC1. Identifiers: MedGen C2751544, MONDO:0011556, OMIM 605462.

Allele frequency attached by ClinVar (database versions not stated): gnomAD exomes 0.00001; TOPMed 0.00001; gnomAD 0.00001; ExAC 0.00005; 1000 Genomes Project 30x 0.00016; 1000 Genomes Project 0.00020.
gnomAD v4.1: 6 of 1,554,778 alleles (0.00039%); highest among the groups gnomAD compares: African/African-American, 0.0014%; no homozygotes.

Submissions (6):

Labcorp Genetics (formerly Invitae), Labcorp
Classification: Likely benign for Gorlin syndrome. Last evaluated: 2025-12-09. Review status: criteria provided, single submitter. Criteria: Invitae Variant Classification Sherloc (09022015). Collection method: clinical testing. Allele origin: germline.

Quest Diagnostics Nichols Institute San Juan Capistrano
Classification: Uncertain significance. Last evaluated: 2025-05-29. Review status: criteria provided, single submitter. Criteria: Quest Diagnostics criteria. Collection method: clinical testing. Allele origin: unknown.
Comment: The PTCH1 c.3574C>T (p.Arg1192Cys) variant has been reported in the published literature in an individual with colon cancer (PMID: 29212164 (2017)). The frequency of this variant in the general population (Genome Aggregation Database) is uninformative in the assessment of its pathogenicity. Analysis of this variant using bioinformatics tools for the prediction of the effect of amino acid changes on protein structure and function yielded predictions that this variant is damaging. Based on the available information, we are unable to determine the clinical significance of this variant.

Ambry Genetics
Classification: Likely benign for Hereditary cancer-predisposing syndrome. Last evaluated: 2024-01-09. Review status: criteria provided, single submitter. Criteria: Ambry Variant Classification Scheme 2023. Collection method: clinical testing. Allele origin: germline.

Baylor Genetics
Classification: Uncertain significance for Basal cell carcinoma, susceptibility to, 1. Last evaluated: 2023-08-18. Review status: criteria provided, single submitter. Criteria: ACMG Guidelines, 2015. Collection method: clinical testing. Allele origin: unknown.

GeneDx
Classification: Uncertain significance. Last evaluated: 2022-09-07. Review status: criteria provided, single submitter. Criteria: GeneDx Variant Classification Process June 2021. Collection method: clinical testing. Allele origin: germline. Affected: yes.
Comment: Not observed at significant frequency in large population cohorts (gnomAD); In silico analysis supports that this missense variant has a deleterious effect on protein structure/function; Observed in an individual with colorectal cancer (Raskin et al., 2017); This variant is associated with the following publications: (PMID: 29212164)

Sema4
Classification: Uncertain significance for Hereditary cancer-predisposing syndrome. Last evaluated: 2022-01-18. Review status: criteria provided, single submitter. Criteria: Sema4 Curation Guidelines. Collection method: curation. Allele origin: germline.
Comment: The PTCH1 c.3574C>T (p.R1192C) variant has been reported in heterozygosity in at least one individual with colorectal cancer (PMID: 29212164). It was observed in 2/63624 chromosomes in the Non-Finnish European subpopulation according to the Genome Aggregation Database (PMID: 32461654). This variant has been reported in ClinVar (Variation ID: 655369). Functional studies have not been performed, and in silico predictions of the variant's effect on protein function are inconclusive. The evidence is insufficient to meet ACMG/AMP criteria for classifying the variant as benign or pathogenic. Thus, the clinical significance of this variant is currently uncertain.

Literature cited by the submitters: PubMed 29212164 (cited by 3 submitters).

NM_000264.5(PTCH1):c.3574C>T (p.Arg1192Cys)

Gene: PTCH1 (patched 1; minus strand). Cytogenetic location: 9q22.32.
Variant type: single nucleotide variant.
Coding change: c.3574C>T on transcript NM_000264.5 (MANE Select); coding-DNA position 3574, C replaced by T.
Protein change: p.Arg1192Cys; replaces arginine 1192 with cysteine.
Molecular consequence: missense variant. On other transcripts: non-coding transcript variant (1).
Genome position (GRCh38, 1-based): chr9:95,449,299, G>A on the plus strand (C>T on the coding strand, the complement: PTCH1 is on the minus strand). VCF-style: chr9-95449299-G-A. GRCh37 (hg19) VCF-style: chr9-98211581-G-A.
Other names: c.3376C>T, p.Arg1126Cys (NM_001083602.3); c.3571C>T, p.Arg1191Cys (NM_001083603.3); c.3121C>T, p.Arg1041Cys (NM_001083604.3, NM_001083605.3, NM_001083606.3 and 1 more transcripts); c.3418C>T, p.Arg1140Cys (NM_001354918.2); c.3574C>T (NM_000264.4); short protein forms R1041C, R1191C, R1140C, R1192C, R1126C.
Identifiers: ClinVar variation 655369 (VCV000655369.17), dbSNP rs571420165, ClinGen allele CA5138106.
Genomic context (GRCh38, chr9:95,449,299, plus strand): 5'-CGGGCGGCATGGCGAAGCGGACCACGCTGGGGGGTGGCTCAGGGGAGGGTGTGGGCAGGC[G>A]GTTCAAGCCGTTGGCTGGAGACACCTATTTAAGGGGATTCCATGTTAAAAGTGTTCTTGT-3'
Protein context (NP_000255.2, residues 1182-1202): PEVSPANGLN[Arg1192Cys]LPTPSPEPPP